The following is an entry in ClinVar:

NM_003322.6(TULP1):c.1600A>G (p.Ser534Gly)

Gene: TULP1 (TUB like protein 1; minus strand). Cytogenetic location: 6p21.31.
Variant type: single nucleotide variant.
Coding change: c.1600A>G on transcript NM_003322.6 (MANE Select); coding-DNA position 1600, A replaced by G.
Protein change: p.Ser534Gly; replaces serine 534 with glycine.
Molecular consequence: missense variant.
Genome position (GRCh38, 1-based): chr6:35,498,356, T>C on the plus strand (A>G on the coding strand, the complement: TULP1 is on the minus strand). VCF-style: chr6-35498356-T-C. GRCh37 (hg19) VCF-style: chr6-35466133-T-C.
Other names: c.1441A>G, p.Ser481Gly (NM_001289395.2); short protein forms S481G, S534G.
Identifiers: ClinVar variation 1059643 (VCV001059643.7), dbSNP rs371431040, ClinGen allele CA3772510.

ClinVar aggregate classification (germline): Uncertain significance. Review status: criteria provided, multiple submitters, no conflicts (2 of 4 stars). 2 submissions from 2 submitters: Uncertain significance (2). Last evaluated 2022-10-13.

Allele frequency attached by ClinVar (database versions not stated): TOPMed below 0.00001; ExAC 0.00001; gnomAD 0.00001; gnomAD exomes 0.00001 and 0.00003; ESP Exome Variant Server 0.00008.
gnomAD v4.1: 39 of 1,612,852 alleles (0.0024%); highest among the groups gnomAD compares: Middle Eastern, 0.016%; no homozygotes.

Submissions (2):

Labcorp Genetics (formerly Invitae), Labcorp
Classification: Uncertain significance. Last evaluated: 2022-10-13. Review status: criteria provided, single submitter. Criteria: Invitae Variant Classification Sherloc (09022015). Collection method: clinical testing. Allele origin: germline.
Comment: This sequence change replaces serine, which is neutral and polar, with glycine, which is neutral and non-polar, at codon 534 of the TULP1 protein (p.Ser534Gly). This variant is present in population databases (rs371431040, gnomAD 0.002%). This variant has not been reported in the literature in individuals affected with TULP1-related conditions. ClinVar contains an entry for this variant (Variation ID: 1059643). Advanced modeling of protein sequence and biophysical properties (such as structural, functional, and spatial information, amino acid conservation, physicochemical variation, residue mobility, and thermodynamic stability) performed at Invitae indicates that this missense variant is expected to disrupt TULP1 protein function. In summary, the available evidence is currently insufficient to determine the role of this variant in disease. Therefore, it has been classified as a Variant of Uncertain Significance.

Blueprint Genetics
Classification: Uncertain significance. Last evaluated: 2022-06-14. Review status: criteria provided, single submitter. Criteria: ACMG Guidelines, 2015. Collection method: clinical testing. Allele origin: germline.